The following is an entry in ClinVar:

ClinVar aggregate classification (germline): Uncertain significance (1 of 4 stars; one submission).

Conditions:
Inborn genetic diseases. Identifiers: MedGen C0950123, MeSH D030342.

Allele frequency attached by ClinVar (database versions not stated): ExAC 0.00003; gnomAD 0.00006; TOPMed 0.00007; ESP Exome Variant Server 0.00008.
gnomAD v4.1: 44 of 1,613,640 alleles (0.0027%); highest among the groups gnomAD compares: Admixed American, 0.022%; no homozygotes.

Submission:

Ambry Genetics
Classification: Uncertain significance for Inborn genetic diseases. Last evaluated: 2021-04-29. Review status: criteria provided, single submitter. Criteria: Ambry Variant Classification Scheme 2023. Collection method: clinical testing. Allele origin: germline.
Comment: The c.294-5C>T intronic alteration consists of a C to T substitution 5 nucleotides before coding exon 4 in the DPH1 gene. Based on insufficient or conflicting evidence, the clinical significance of this alteration remains unclear.

NM_001383.6(DPH1):c.279-5C>T

Gene: DPH1 (diphthamide biosynthesis 1; plus strand). Cytogenetic location: 17p13.3.
Variant type: single nucleotide variant.
Coding change: c.279-5C>T on transcript NM_001383.6 (MANE Select); 5 bases into the intron before coding-DNA position 279, C replaced by T.
Molecular consequence: intron variant.
Genome position (GRCh38, 1-based): chr17:2,035,965, C>T. VCF-style: chr17-2035965-C-T. GRCh37 (hg19) VCF-style: chr17-1939259-C-T.
Other names: c.294-5C>T (NM_001346574.1, NM_001346575.1); c.-5-564C>T (NM_001346576.2).
Identifiers: ClinVar variation 2230404 (VCV002230404.2), dbSNP rs370195178, ClinGen allele CA8276928.